The following is an entry in ClinVar:

ClinVar aggregate classification (germline): Likely pathogenic (1 of 4 stars; one submission).

Conditions:
Enterokinase deficiency. Also called: Deficiency of enteropeptidase; Congenital enteropathy due to enteropeptidase deficiency; ENTEROPEPTIDASE DEFICIENCY. Identifiers: Orphanet 168601, MedGen C0268416, MONDO:0009173, OMIM 226200.

gnomAD v4.1: 1 of 1,614,054 alleles (0.000062%); no homozygotes.

Submission:

First Genomix Gene Laboratory, Genetic Diagnostics Department
Classification: Likely pathogenic for Enterokinase deficiency. Last evaluated: 2025-04-08. Review status: criteria provided, single submitter. Criteria: ACMG Guidelines, 2015. Collection method: clinical testing. Allele origin: germline. Inheritance: Autosomal recessive inheritance. Affected: no. Observed: 1 variant allele.

NM_002772.3(TMPRSS15):c.2540C>A (p.Ser847Ter)

Gene: TMPRSS15 (transmembrane serine protease 15; minus strand). Cytogenetic location: 21q21.1.
Variant type: single nucleotide variant.
Coding change: c.2540C>A on transcript NM_002772.3 (MANE Select); coding-DNA position 2540, C replaced by A.
Protein change: p.Ser847Ter; replaces serine 847 with a stop codon.
Molecular consequence: nonsense.
Genome position (GRCh38, 1-based): chr21:18,281,168, G>T on the plus strand (C>A on the coding strand, the complement: TMPRSS15 is on the minus strand). VCF-style: chr21-18281168-G-T. GRCh37 (hg19) VCF-style: chr21-19653485-G-T.
Other names: c.2675C>A, p.Ser892Ter (NM_001428056.1); c.2540C>A, p.Ser847Ter (NM_001428057.1); short protein forms S847*, S892*.
Identifiers: ClinVar variation 4845780 (VCV004845780.1).
Genomic context (GRCh38, chr21:18,281,168, plus strand): 5'-TGAGGGTTTATGACAATTTCATCTATTAATCGAGGGACTGTTTGAGGAGAGGTCAGATTT[G>T]ATTTCATATGCAGGCCTAGGATTGCTGTCCACTTGGATGGCTCTAAGTTTCTCCTGAAAA-3'